The following is an entry in ClinVar:

NM_002160.4(TNC):c.4547G>A (p.Arg1516Gln)

Gene: TNC (tenascin C; minus strand). Cytogenetic location: 9q33.1.
Variant type: single nucleotide variant.
Coding change: c.4547G>A on transcript NM_002160.4 (MANE Select); coding-DNA position 4547, G replaced by A.
Protein change: p.Arg1516Gln; replaces arginine 1516 with glutamine.
Molecular consequence: missense variant.
Genome position (GRCh38, 1-based): chr9:115,057,185, C>T on the plus strand (G>A on the coding strand, the complement: TNC is on the minus strand). VCF-style: chr9-115057185-C-T. GRCh37 (hg19) VCF-style: chr9-117819464-C-T.
Other names: c.4274G>A, p.Arg1425Gln (NM_001410991.1); short protein forms R1516Q, R1425Q.
Identifiers: ClinVar variation 3180134 (VCV003180134.3), dbSNP rs762958748, ClinGen allele CA5207914.

ClinVar aggregate classification (germline): Uncertain significance. Review status: criteria provided, multiple submitters, no conflicts (2 of 4 stars). 2 submissions from 2 submitters: Uncertain significance (2). Last evaluated 2026-02-02.

Conditions:
TNC-related disorder. Also called: TNC-related condition.

Allele frequency attached by ClinVar (database versions not stated): ExAC 0.00004; gnomAD 0.00005; gnomAD exomes 0.00006; TOPMed 0.00009.
gnomAD v4.1: 100 of 1,613,380 alleles (0.0062%); highest among the groups gnomAD compares: Middle Eastern, 0.18%; 2 homozygotes.

Submissions (2):

PreventionGenetics, part of Exact Sciences
Classification: Uncertain significance for TNC-related condition. Last evaluated: 2026-02-02. Review status: criteria provided, single submitter. Criteria: ACMG Guidelines, 2015. Collection method: clinical testing. Allele origin: germline.
Comment: The TNC c.4547G>A variant is predicted to result in the amino acid substitution p.Arg1516Gln. To our knowledge, this variant has not been reported in the literature. This variant is reported in 0.020% of alleles in individuals of Latino descent in gnomAD. Although we suspect that this variant may be benign, at this time, the clinical significance of this variant is uncertain due to the absence of conclusive functional and genetic evidence.

Ambry Genetics
Classification: Uncertain significance. Last evaluated: 2025-12-02. Review status: criteria provided, single submitter. Criteria: Ambry Variant Classification Scheme 2023. Collection method: clinical testing. Allele origin: germline.